The following is an entry in ClinVar:

ClinVar aggregate classification (germline): Uncertain significance (1 of 4 stars; one submission).

Conditions:
Hereditary nonpolyposis colorectal neoplasms. Identifiers: MedGen C0009405, MeSH D003123.

Submission:

Labcorp Genetics (formerly Invitae), Labcorp
Classification: Uncertain significance for Hereditary nonpolyposis colorectal neoplasms. Last evaluated: 2022-03-25. Review status: criteria provided, single submitter. Criteria: Invitae Variant Classification Sherloc (09022015). Collection method: clinical testing. Allele origin: germline.
Comment: This sequence change replaces arginine, which is basic and polar, with glycine, which is neutral and non-polar, at codon 515 of the MSH6 protein (p.Arg515Gly). This variant is not present in population databases (gnomAD no frequency). This variant has not been reported in the literature in individuals affected with MSH6-related conditions. Algorithms developed to predict the effect of missense changes on protein structure and function are either unavailable or do not agree on the potential impact of this missense change (SIFT: "Tolerated"; PolyPhen-2: "Probably Damaging"; Align-GVGD: "Class C0"). In summary, the available evidence is currently insufficient to determine the role of this variant in disease. Therefore, it has been classified as a Variant of Uncertain Significance.

NM_000179.3(MSH6):c.1543A>G (p.Arg515Gly)

Gene: MSH6 (mutS homolog 6; plus strand). Cytogenetic location: 2p16.3.
Variant type: single nucleotide variant.
Coding change: c.1543A>G on transcript NM_000179.3 (MANE Select); coding-DNA position 1543, A replaced by G.
Protein change: p.Arg515Gly; replaces arginine 515 with glycine.
Molecular consequence: missense variant.
Genome position (GRCh38, 1-based): chr2:47,799,526, A>G. VCF-style: chr2-47799526-A-G. GRCh37 (hg19) VCF-style: chr2-48026665-A-G.
Other names: c.1153A>G, p.Arg385Gly (NM_001281492.2); c.637A>G, p.Arg213Gly (NM_001281493.2, NM_001281494.2, NM_001406811.1 and 6 more transcripts); c.1639A>G, p.Arg547Gly (NM_001406795.1, NM_001406802.1); c.1543A>G, p.Arg515Gly (NM_001406796.1, NM_001406798.1, NM_001406800.1 and 4 more transcripts); c.1246A>G, p.Arg416Gly (NM_001406797.1, NM_001406801.1, NM_001406805.1 and 10 more transcripts); c.1018A>G, p.Arg340Gly (NM_001406799.1, NM_001406806.1, NM_001406807.1); c.1465A>G, p.Arg489Gly (NM_001406804.1); c.1549A>G, p.Arg517Gly (NM_001406813.1); and 1 more; short protein forms R416G, R517G, R547G, R459G, R515G, R213G, R340G, R489G.
Identifiers: ClinVar variation 2116895 (VCV002116895.1), dbSNP rs2104350626, ClinGen allele CA346746601.